The following is an entry in ClinVar:

ClinVar aggregate classification (germline): Benign/Likely benign. Review status: criteria provided, multiple submitters, no conflicts (2 of 4 stars). 7 submissions from 7 submitters: Benign (2); Likely benign (4). 1 of the submissions does not count toward it. Last evaluated 2026-08-01.

Conditions:
Inborn genetic diseases. Identifiers: MedGen C0950123, MeSH D030342.
IL1RAPL1-related disorder. Also called: IL1RAPL1-related condition.

Allele frequency attached by ClinVar (database versions not stated): gnomAD 0.00013 and 0.00016; gnomAD exomes 0.00014 and 0.00018; TOPMed 0.00018; ExAC 0.00023; 1000 Genomes Project 0.00026; 1000 Genomes Project 30x 0.00042; ESP Exome Variant Server 0.00057.
gnomAD v4.1: 174 of 1,208,095 alleles (0.014%); highest among the groups gnomAD compares: Middle Eastern, 0.12%; 1 homozygote.

Submissions (7):

CeGaT Center for Human Genetics Tuebingen
Classification: Likely benign. Last evaluated: 2026-08-01. Review status: criteria provided, single submitter. Criteria: CeGaT Center For Human Genetics Tuebingen Variant Classification Criteria Version 2. Collection method: clinical testing. Allele origin: germline. Affected: yes. Observed: 5 variant alleles.
Comment: IL1RAPL1: BS2

Labcorp Genetics (formerly Invitae), Labcorp
Classification: Benign. Last evaluated: 2025-12-29. Review status: criteria provided, single submitter. Criteria: Invitae Variant Classification Sherloc (09022015). Collection method: clinical testing. Allele origin: germline.

Blueprint Genetics
Classification: Likely benign. Last evaluated: 2024-11-13. Review status: criteria provided, single submitter. Criteria: ACMG Guidelines, 2015. Collection method: clinical testing. Allele origin: germline.

Ambry Genetics
Classification: Likely benign for Inborn genetic diseases. Last evaluated: 2021-10-22. Review status: criteria provided, single submitter. Criteria: Ambry Variant Classification Scheme 2023. Collection method: clinical testing. Allele origin: germline.

GeneDx
Classification: Benign. Last evaluated: 2021-08-04. Review status: criteria provided, single submitter. Criteria: GeneDx Variant Classification Process June 2021. Collection method: clinical testing. Allele origin: germline. Affected: yes.

Genetic Services Laboratory, University of Chicago
Classification: Likely benign. Last evaluated: 2016-07-26. Review status: criteria provided, single submitter. Criteria: ACMG Guidelines, 2015. Collection method: clinical testing. Allele origin: germline. Affected: no.

PreventionGenetics, part of Exact Sciences
Classification: Likely benign for IL1RAPL1-related condition. Last evaluated: 2019-03-07. Review status: no assertion criteria provided. Collection method: clinical testing. Allele origin: germline. Not counted in ClinVar's aggregate classification.
Comment: This variant is classified as likely benign based on ACMG/AMP sequence variant interpretation guidelines (Richards et al. 2015 PMID: 25741868, with internal and published modifications).

NM_014271.4(IL1RAPL1):c.784T>G (p.Ser262Ala)

Gene: IL1RAPL1 (interleukin 1 receptor accessory protein like 1; plus strand). Cytogenetic location: Xp21.2.
Variant type: single nucleotide variant.
Coding change: c.784T>G on transcript NM_014271.4 (MANE Select); coding-DNA position 784, T replaced by G.
Protein change: p.Ser262Ala; replaces serine 262 with alanine.
Molecular consequence: missense variant.
Genome position (GRCh38, 1-based): chrX:29,917,469, T>G. VCF-style: chrX-29917469-T-G. GRCh37 (hg19) VCF-style: chrX-29935586-T-G.
Other names: short protein forms S262A.
Identifiers: ClinVar variation 435499 (VCV000435499.39), dbSNP rs150439009, ClinGen allele CA10375489.